The following is an entry in ClinVar:

NM_001370259.2(MEN1):c.378G>T (p.Trp126Cys)

Gene: MEN1 (menin 1; minus strand). Cytogenetic location: 11q13.1.
Variant type: single nucleotide variant.
Coding change: c.378G>T on transcript NM_001370259.2 (MANE Select); coding-DNA position 378, G replaced by T.
Protein change: p.Trp126Cys; replaces tryptophan 126 with cysteine.
Molecular consequence: missense variant. On other transcripts: non-coding transcript variant (4).
Genome position (GRCh38, 1-based): chr11:64,809,732, C>A on the plus strand (G>T on the coding strand, the complement: MEN1 is on the minus strand). VCF-style: chr11-64809732-C-A. GRCh37 (hg19) VCF-style: chr11-64577204-C-A.
Other names: c.378G>T, p.Trp126Cys (NM_001407147.1, NM_001407148.1, NM_001407149.1 and 20 more transcripts); short protein forms W126C.
Identifiers: ClinVar variation 2817040 (VCV002817040.3), dbSNP rs1555166365, ClinGen allele CA381187291.

ClinVar aggregate classification (germline): Uncertain significance (1 of 4 stars; one submission).

Conditions:
Multiple endocrine neoplasia, type 1 (MEN1). Also called: MEN I; WERMER SYNDROME; Endocrine adenomatosis multiple; MEN 1; MEA I. Identifiers: Orphanet 652, MedGen C0025267, MeSH D018761, MONDO:0007540, OMIM 131100.

Submission:

Labcorp Genetics (formerly Invitae), Labcorp
Classification: Uncertain significance for Multiple endocrine neoplasia, type 1. Last evaluated: 2022-11-28. Review status: criteria provided, single submitter. Criteria: Invitae Variant Classification Sherloc (09022015). Collection method: clinical testing. Allele origin: germline.
Comment: In summary, the available evidence is currently insufficient to determine the role of this variant in disease. Therefore, it has been classified as a Variant of Uncertain Significance. Advanced modeling of protein sequence and biophysical properties (such as structural, functional, and spatial information, amino acid conservation, physicochemical variation, residue mobility, and thermodynamic stability) performed at Invitae indicates that this missense variant is expected to disrupt MEN1 protein function. This variant has not been reported in the literature in individuals affected with MEN1-related conditions. This variant is not present in population databases (gnomAD no frequency). This sequence change replaces tryptophan, which is neutral and slightly polar, with cysteine, which is neutral and slightly polar, at codon 126 of the MEN1 protein (p.Trp126Cys).